The following is an entry in ClinVar:

NM_000051.4(ATM):c.5033T>G (p.Val1678Gly)

Gene: ATM (ATM serine/threonine kinase; plus strand). Cytogenetic location: 11q22.3.
Variant type: single nucleotide variant.
Coding change: c.5033T>G on transcript NM_000051.4 (MANE Select); coding-DNA position 5033, T replaced by G.
Protein change: p.Val1678Gly; replaces valine 1678 with glycine.
Molecular consequence: missense variant.
Genome position (GRCh38, 1-based): chr11:108,299,741, T>G. VCF-style: chr11-108299741-T-G. GRCh37 (hg19) VCF-style: chr11-108170468-T-G.
Other names: c.5033T>G, p.Val1678Gly (NM_001351834.2); c.5033T>G (NM_000051.3); short protein forms V1678G.
Identifiers: ClinVar variation 1020050 (VCV001020050.9), dbSNP rs878853516, ClinGen allele CA382540300.

ClinVar aggregate classification (germline): Uncertain significance (1 of 4 stars; one submission).

Conditions:
Ataxia-telangiectasia syndrome (AT). Also called: ATAXIA-TELANGIECTASIA, FRESNO VARIANT; Ataxia-telangiectasia, complementation group D; AT, COMPLEMENTATION GROUP C; Cerebello-oculocutaneous telangiectasia; Immunodeficiency with ataxia telangiectasia; Ataxia telangiectasia (A-T). Identifiers: Orphanet 100, MedGen C0004135, MONDO:0008840, OMIM 208900.
Familial cancer of breast. Also called: BREAST CANCER, FAMILIAL; hereditary breast carcinoma; Hereditary breast cancer. Identifiers: Orphanet 227535, MedGen C0346153, MONDO:0016419, OMIM 114480. Disease mechanism: loss of function.

Submission:

Labcorp Genetics (formerly Invitae), Labcorp
Classification: Uncertain significance for Ataxia-telangiectasia syndrome. Last evaluated: 2020-08-24. Review status: criteria provided, single submitter. Criteria: Invitae Variant Classification Sherloc (09022015). Collection method: clinical testing. Allele origin: germline.
Comment: This variant has not been reported in the literature in individuals with ATM-related conditions. Advanced modeling of protein sequence and biophysical properties (such as structural, functional, and spatial information, amino acid conservation, physicochemical variation, residue mobility, and thermodynamic stability) performed at Invitae indicates that this missense variant is not expected to disrupt ATM protein function. In summary, the available evidence is currently insufficient to determine the role of this variant in disease. Therefore, it has been classified as a Variant of Uncertain Significance. This variant is not present in population databases (ExAC no frequency). This sequence change replaces valine with glycine at codon 1678 of the ATM protein (p.Val1678Gly). The valine residue is weakly conserved and there is a moderate physicochemical difference between valine and glycine.